The following is an entry in ClinVar:

NM_198503.5(KCNT2):c.1171G>C (p.Asp391His)

Gene: KCNT2 (potassium sodium-activated channel subfamily T member 2; minus strand). Cytogenetic location: 1q31.3.
Variant type: single nucleotide variant.
Coding change: c.1171G>C on transcript NM_198503.5 (MANE Select); coding-DNA position 1171, G replaced by C.
Protein change: p.Asp391His; replaces aspartic acid 391 with histidine.
Molecular consequence: missense variant. On other transcripts: non-coding transcript variant (2).
Genome position (GRCh38, 1-based): chr1:196,423,064, C>G on the plus strand (G>C on the coding strand, the complement: KCNT2 is on the minus strand). VCF-style: chr1-196423064-C-G. GRCh37 (hg19) VCF-style: chr1-196392194-C-G.
Other names: c.1171G>C, p.Asp391His (NM_001287819.3, NM_001287820.3); short protein forms D391H.
Identifiers: ClinVar variation 4975831 (VCV004975831.1).
Genomic context (GRCh38, chr1:196,423,064, plus strand): 5'-CTAAAATGGAAAGCACAACTTACTAAAAAAGATTTTAGAAACTTACAGATGATGTCCTAT[C>G]CACTTCACAACGGCTACTGAGAATAAAACAGGCCTCAGCGTCATCCATCCTAAATACAGA-3'
Protein context (NP_940905.2, residues 381-401): CFILSSRCEV[Asp391His]RTSSDHQTIL

ClinVar aggregate classification (germline): Uncertain significance (1 of 4 stars; one submission).

Submission:

GeneDx
Classification: Uncertain significance. Last evaluated: 2026-01-29. Review status: criteria provided, single submitter. Criteria: GeneDx Variant Classification Process June 2021. Collection method: clinical testing. Allele origin: germline.
Comment: Not observed at significant frequency in large population cohorts (gnomAD); In silico analysis supports that this missense variant has a deleterious effect on protein structure/function; Has not been previously published as pathogenic or benign to our knowledge